The following is an entry in ClinVar:

ClinVar aggregate classification (germline): Uncertain significance. Review status: criteria provided, multiple submitters, no conflicts (2 of 4 stars). 2 submissions from 2 submitters: Uncertain significance (2). Last evaluated 2022-12-21.

Conditions:
Hydrocephalus, nonsyndromic, autosomal recessive 1 (HYC1). Also called: Congenital hydrocephalus 1; Hydrocephalus, nonsyndromic, autosomal recessive. Identifiers: Orphanet 2185, MedGen C3887608, MONDO:0009360, OMIM 236600.
Inborn genetic diseases. Identifiers: MedGen C0950123, MeSH D030342.

Allele frequency attached by ClinVar (database versions not stated): ExAC 0.00001; gnomAD 0.00001 and 0.00002; TOPMed 0.00001.
gnomAD v4.1: 6 of 1,595,334 alleles (0.00038%); highest among the groups gnomAD compares: South Asian, 0.0011%; no homozygotes.

Submissions (3):

Ambry Genetics
Classification: Uncertain significance for Inborn genetic diseases. Last evaluated: 2022-12-21. Review status: criteria provided, single submitter. Criteria: Ambry Variant Classification Scheme 2023. Collection method: clinical testing. Allele origin: germline.
Comment: The c.3358-5G>A intronic alteration consists of a G to A substitution 5 nucleotides before exon 20 of the CCDC88C gene. Based on insufficient or conflicting evidence, the clinical significance of this alteration remains unclear.

Baylor Genetics
Classification: Uncertain significance for Hydrocephalus, nonsyndromic, autosomal recessive 1. Last evaluated: 2018-10-22. Review status: criteria provided, single submitter. Criteria: ACMG Guidelines, 2015. Collection method: clinical testing. Allele origin: unknown. Affected: yes.
Comment: This variant was determined to be of uncertain significance according to ACMG Guidelines, 2015 [PMID:25741868].

Dr. Peter K. Rogan Lab, Western University
No classification provided (evidence only). Condition: Gastric cancer. Review status: no classification provided. Collection method: in vitro. Allele origin: not applicable. Functional consequence: retained intron. Not counted in ClinVar's aggregate classification.

NM_001080414.4(CCDC88C):c.3358-5G>A

Gene: CCDC88C (coiled-coil and HOOK domain protein 88C; minus strand). Cytogenetic location: 14q32.11.
Variant type: single nucleotide variant.
Coding change: c.3358-5G>A on transcript NM_001080414.4 (MANE Select); 5 bases into the intron before coding-DNA position 3358, G replaced by A.
Molecular consequence: intron variant.
Genome position (GRCh38, 1-based): chr14:91,303,983, C>T on the plus strand (G>A on the coding strand, the complement: CCDC88C is on the minus strand). VCF-style: chr14-91303983-C-T. GRCh37 (hg19) VCF-style: chr14-91770327-C-T.
Other names: NC_000014.8:g.91770327C>T.
Identifiers: ClinVar variation 1033654 (VCV001033654.5), dbSNP rs762398207, ClinGen allele CA7309352.